The following is an entry in ClinVar:

NM_000465.4(BARD1):c.223G>T (p.Val75Leu)

Gene: BARD1 (BRCA1 associated RING domain 1; minus strand). Cytogenetic location: 2q35.
Variant type: single nucleotide variant.
Coding change: c.223G>T on transcript NM_000465.4 (MANE Select); coding-DNA position 223, G replaced by T.
Protein change: p.Val75Leu; replaces valine 75 with leucine.
Molecular consequence: missense variant. On other transcripts: non-coding transcript variant (1), intron variant (2).
Genome position (GRCh38, 1-based): chr2:214,792,438, C>A on the plus strand (G>T on the coding strand, the complement: BARD1 is on the minus strand). VCF-style: chr2-214792438-C-A. GRCh37 (hg19) VCF-style: chr2-215657162-C-A.
Other names: c.166G>T, p.Val56Leu (NM_001282543.2); c.223G>T, p.Val75Leu (NM_001282549.2); c.158+16974G>T (NM_001282548.2); c.215+4623G>T (NM_001282545.2); c.223G>T (NM_000465.2); short protein forms V56L, V75L.
Identifiers: ClinVar variation 1705053 (VCV001705053.3), dbSNP rs1559437285, ClinGen allele CA350461326.
Genomic context (GRCh38, chr2:214,792,438, plus strand): 5'-AGTCTTGTATCCAGGCCGGGGTGTAACACACTGGACATCCAGTTCCAATGCAGTCACTTA[C>A]ACAATTACTTTAAAATAATTAAAAAAAAAAAAAAAAGCAACCCATTCAGCAGAATTTAAT-3'
Protein context (NP_000456.2, residues 65-85): GCEHIFCSNC[Val75Leu]SDCIGTGCPV

ClinVar aggregate classification (germline): Uncertain significance. Review status: criteria provided, multiple submitters, no conflicts (2 of 4 stars). 3 submissions from 3 submitters: Uncertain significance (3). Last evaluated 2025-03-06.

Conditions:
Hereditary cancer-predisposing syndrome. Also called: Tumor predisposition; Neoplastic Syndromes, Hereditary; Hereditary Cancer Syndrome; Hereditary neoplastic syndrome. Identifiers: Orphanet 140162, MedGen C0027672, MeSH D009386, MONDO:0015356.
Familial cancer of breast. Also called: hereditary breast carcinoma; Hereditary breast cancer; BREAST CANCER, FAMILIAL. Identifiers: Orphanet 227535, MedGen C0346153, MONDO:0016419, OMIM 114480. Disease mechanism: loss of function.

Submissions (3):

Ambry Genetics
Classification: Uncertain significance for Hereditary cancer-predisposing syndrome. Last evaluated: 2025-03-06. Review status: criteria provided, single submitter. Criteria: Ambry Variant Classification Scheme 2023. Collection method: clinical testing. Allele origin: germline.
Comment: The p.V75L variant (also known as c.223G>T), located in coding exon 3 of the BARD1 gene, results from a G to T substitution at nucleotide position 223. The valine at codon 75 is replaced by leucine, an amino acid with highly similar properties. This amino acid position is well conserved in available vertebrate species. In addition, this alteration is predicted to be tolerated by in silico analysis. Based on the available evidence, the clinical significance of this variant remains unclear.

Baylor Genetics
Classification: Uncertain significance for Familial cancer of breast. Last evaluated: 2024-02-19. Review status: criteria provided, single submitter. Criteria: ACMG Guidelines, 2015. Collection method: clinical testing. Allele origin: unknown.

Women's Health and Genetics/Laboratory Corporation of America, LabCorp
Classification: Uncertain significance. Last evaluated: 2022-08-08. Review status: criteria provided, single submitter. Criteria: LabCorp Variant Classification Summary - May 2015. Collection method: clinical testing. Allele origin: germline.
Comment: Variant summary: BARD1 c.223G>T (p.Val75Leu) results in a conservative amino acid change located in the Zinc finger, RING-type domain (IPR001841) of the encoded protein sequence. Five of five in-silico tools predict a benign effect of the variant on protein function. The variant was absent in 224980 control chromosomes. The available data on variant occurrences in the general population are insufficient to allow any conclusion about variant significance. To our knowledge, no occurrence of c.223G>T in individuals affected with Breast Cancer and no experimental evidence demonstrating its impact on protein function have been reported. No clinical diagnostic laboratories have submitted clinical-significance assessments for this variant to ClinVar after 2014. Based on the evidence outlined above, the variant was classified as uncertain significance.